The following is an entry in ClinVar:

ClinVar aggregate classification (germline): Uncertain significance (1 of 4 stars; one submission).

Submission:

Labcorp Genetics (formerly Invitae), Labcorp
Classification: Uncertain significance. Last evaluated: 2024-12-02. Review status: criteria provided, single submitter. Criteria: Invitae Variant Classification Sherloc (09022015). Collection method: clinical testing. Allele origin: germline.
Comment: This sequence change replaces arginine, which is basic and polar, with serine, which is neutral and polar, at codon 130 of the ASXL2 protein (p.Arg130Ser). This variant is not present in population databases (gnomAD no frequency). This variant has not been reported in the literature in individuals affected with ASXL2-related conditions. ClinVar contains an entry for this variant (Variation ID: 1714187). Invitae Evidence Modeling of protein sequence and biophysical properties (such as structural, functional, and spatial information, amino acid conservation, physicochemical variation, residue mobility, and thermodynamic stability) indicates that this missense variant is not expected to disrupt ASXL2 protein function with a negative predictive value of 80%. In summary, the available evidence is currently insufficient to determine the role of this variant in disease. Therefore, it has been classified as a Variant of Uncertain Significance.

NM_018263.6(ASXL2):c.390G>T (p.Arg130Ser)

Gene: ASXL2 (ASXL transcriptional regulator 2; minus strand). Cytogenetic location: 2p23.3.
Variant type: single nucleotide variant.
Coding change: c.390G>T on transcript NM_018263.6 (MANE Select); coding-DNA position 390, G replaced by T.
Protein change: p.Arg130Ser; replaces arginine 130 with serine.
Molecular consequence: missense variant.
Genome position (GRCh38, 1-based): chr2:25,799,398, C>A on the plus strand (G>T on the coding strand, the complement: ASXL2 is on the minus strand). VCF-style: chr2-25799398-C-A. GRCh37 (hg19) VCF-style: chr2-26022267-C-A.
Other names: c.216G>T, p.Arg72Ser (NM_001369346.1); short protein forms R130S, R72S.
Identifiers: ClinVar variation 1714187 (VCV001714187.5), dbSNP rs2088961321, ClinGen allele CA346084262.